The following is an entry in ClinVar:

NM_006208.3(ENPP1):c.*4571G>C

Gene: ENPP1 (ectonucleotide pyrophosphatase/phosphodiesterase 1; plus strand). Cytogenetic location: 6q23.2.
Variant type: single nucleotide variant.
Coding change: c.*4571G>C on transcript NM_006208.3 (MANE Select); 4571 bases downstream of the stop codon, G replaced by C.
Molecular consequence: 3 prime UTR variant.
Genome position (GRCh38, 1-based): chr6:131,895,082, G>C. VCF-style: chr6-131895082-G-C. GRCh37 (hg19) VCF-style: chr6-132216222-G-C.
Identifiers: ClinVar variation 355431 (VCV000355431.5), dbSNP rs574559068, ClinGen allele CA10622984.
Genomic context (GRCh38, chr6:131,895,082, plus strand): 5'-ACTGCAGTCCAAGGACATTTTCCCTGGTTTTTGGCCAGTCTAAATATTGTAAGAGAGAGA[G>C]AAGAAAAGTGTACGGAATATAATTGTCTCTAAGCTAAGAAATGTGGATGTTCAAATAAAA-3'

ClinVar aggregate classification (germline): Benign. Review status: criteria provided, single submitter (1 of 4 stars). 2 submissions from 1 submitter: Benign (2). Last evaluated 2018-01-12.

Conditions:
Arterial calcification, generalized, of infancy, 1 (GACI1). Also called: Idiopathic Infantile Arterial Calcification. Identifiers: Orphanet 51608, MedGen C4551985, MONDO:0008817, OMIM 208000.
Hypophosphatemic rickets, autosomal recessive, 2 (ARHR2). Identifiers: Orphanet 289176, MedGen C2750078, MONDO:0013219, OMIM 613312.

Allele frequency attached by ClinVar (database versions not stated): gnomAD 0.00004 and 0.00074; TOPMed 0.00014; 1000 Genomes Project 30x 0.00640; 1000 Genomes Project 0.00719.

Submissions (2):

Illumina Laboratory Services, Illumina
Classification: Benign for Arterial calcification, generalized, of infancy, 1. Last evaluated: 2018-01-12. Review status: criteria provided, single submitter. Criteria: ICSL Variant Classification Criteria 13 December 2019. Collection method: clinical testing. Allele origin: germline.
Comment: This variant was observed in the ICSL laboratory as part of a predisposition screen in an ostensibly healthy population. It had not been previously curated by ICSL or reported in the Human Gene Mutation Database (HGMD: prior to June 1st, 2018), and was therefore a candidate for classification through an automated scoring system. Utilizing variant allele frequency, disease prevalence and penetrance estimates, and inheritance mode, an automated score was calculated to assess if this variant is too frequent to cause the disease. Based on the score and internal cut-off values, a variant classified as benign is not then subjected to further curation. The score for this variant resulted in a classification of benign for this disease.

Illumina Laboratory Services, Illumina
Classification: Benign for Hypophosphatemic rickets, autosomal recessive, 2. Last evaluated: 2018-01-12. Review status: criteria provided, single submitter. Criteria: ICSL Variant Classification Criteria 13 December 2019. Collection method: clinical testing. Allele origin: germline.
Comment: the same text as in the submission from Illumina Laboratory Services, Illumina above.